The following is an entry in ClinVar:

NM_025179.4(PLXNA2):c.2396-10C>T

Gene: PLXNA2 (plexin A2; minus strand). Cytogenetic location: 1q32.2.
Variant type: single nucleotide variant.
Coding change: c.2396-10C>T on transcript NM_025179.4 (MANE Select); 10 bases into the intron before coding-DNA position 2396, C replaced by T.
Molecular consequence: intron variant.
Genome position (GRCh38, 1-based): chr1:208,079,460, G>A on the plus strand (C>T on the coding strand, the complement: PLXNA2 is on the minus strand). VCF-style: chr1-208079460-G-A. GRCh37 (hg19) VCF-style: chr1-208252805-G-A.
Identifiers: ClinVar variation 3351279 (VCV003351279.1).

ClinVar aggregate classification (germline): Likely benign (0 of 4 stars; one submission).

Conditions:
PLXNA2-related disorder. Also called: PLXNA2-related condition.

Submission:

PreventionGenetics, part of Exact Sciences
Classification: Likely benign for PLXNA2-related condition. Last evaluated: 2024-06-26. Review status: no assertion criteria provided. Collection method: clinical testing. Allele origin: germline.
Comment: This variant is classified as likely benign based on ACMG/AMP sequence variant interpretation guidelines (Richards et al. 2015 PMID: 25741868, with internal and published modifications).